The following is an entry in ClinVar:

ClinVar aggregate classification (germline): Likely pathogenic (1 of 4 stars; one submission).

Conditions:
Cardiovascular phenotype. Identifiers: MedGen CN230736.

Submission:

Ambry Genetics
Classification: Likely pathogenic for Cardiovascular phenotype. Last evaluated: 2025-01-14. Review status: criteria provided, single submitter. Criteria: Ambry Variant Classification Scheme 2023. Collection method: clinical testing. Allele origin: germline.
Comment: The c.49575delG variant, located in coding exon 153 of the TTN gene, results from a deletion of one nucleotide at nucleotide position 49575, causing a translational frameshift with a predicted alternate stop codon (p.K16525Nfs*7). This exon is located in the A-band region of the N2-B isoform of the titin protein and is constitutively expressed in TTN transcripts (percent spliced in or PSI 100%). This variant is considered to be rare based on population cohorts in the Genome Aggregation Database (gnomAD). This alteration is expected to result in loss of function by premature protein truncation or nonsense-mediated mRNA decay. While truncating variants in TTN are present in 1-3% of the general population, truncating variants in the A-band are the most common cause of dilated cardiomyopathy (DCM) (Herman DS et al. N. Engl. J. Med., 2012 Feb;366:619-28; Roberts AM et al. Sci Transl Med, 2015 Jan;7:270ra6). TTN truncating variants encoded in constitutive exons (PSI >90%) have been found to be significantly associated with DCM regardless of their position in titin (Schafer S et al. Nat. Genet., 2017 01;49:46-53). Based on the majority of available evidence to date, this variant is likely to be pathogenic.

NM_001267550.2(TTN):c.76770del (p.Lys25590fs)

Genes: TTN (titin; minus strand), TTN-AS1 (TTN antisense RNA 1; plus strand). Cytogenetic location: 2q31.2.
Variant type: Deletion.
Coding change: c.76770del on transcript NM_001267550.2 (MANE Select); coding-DNA position 76770, one base deleted (G; older notation c.76770delG).
Protein change: p.Lys25590fs; shifts the reading frame from lysine 25590.
Molecular consequence: frameshift variant.
Genome position (GRCh38, 1-based): chr2:178,569,362, C deleted on the plus strand (G on the coding strand, the reverse complement: TTN is on the minus strand). VCF-style (leftmost placement, unchanged base first): chr2-178569361-AC-A. GRCh37 (hg19) VCF-style: chr2-179434088-AC-A.
Other names: c.71847del, p.Lys23949fs (NM_001256850.1); c.49575del, p.Lys16525fs (NM_003319.4); c.69066del, p.Lys23022fs (NM_133378.4); c.49950del, p.Lys16650fs (NM_133432.3); c.50151del, p.Lys16717fs (NM_133437.4); c.49575delG (NM_003319.4); short protein forms K23949fs, K16525fs, K16717fs, K23022fs, K25590fs, K16650fs.
Identifiers: ClinVar variation 3812231 (VCV003812231.1).